The following is an entry in ClinVar:

ClinVar aggregate classification (germline): Conflicting classifications of pathogenicity. Review status: criteria provided, conflicting classifications (1 of 4 stars). 2 submissions from 2 submitters: Likely pathogenic (1); Uncertain significance (1). Last evaluated 2026-07-23.

Conditions:
MYO3A-related disorder. Also called: MYO3A-related condition.

Allele frequency attached by ClinVar (database versions not stated): gnomAD 0.00001; ExAC 0.00003; gnomAD exomes 0.00003.
gnomAD v4.1: 37 of 1,611,346 alleles (0.0023%); highest among the groups gnomAD compares: Admixed American, 0.0067%; no homozygotes.

Submissions (2):

GeneDx
Classification: Likely pathogenic. Last evaluated: 2026-07-23. Review status: criteria provided, single submitter. Criteria: GeneDx Variant Classification Process June 2021. Collection method: clinical testing. Allele origin: germline.
Comment: Canonical splice site variant predicted to result in an in-frame loss of the adjacent exon in a gene for which loss of function is a known mechanism of disease; Has not been previously published as pathogenic or benign to our knowledge

PreventionGenetics, part of Exact Sciences
Classification: Uncertain significance for MYO3A-related condition. Last evaluated: 2025-10-22. Review status: criteria provided, single submitter. Criteria: ACMG Guidelines, 2015. Collection method: clinical testing. Allele origin: germline.
Comment: The MYO3A c.168+1G>A variant is predicted to disrupt the GT donor site and interfere with normal splicing. To our knowledge, this variant has not been reported in the literature. This variant is reported in 0.0087% of alleles in individuals of Latino descent in gnomAD. Splicing variants in MYO3A are expected to be pathogenic, however no splicing variants upstream of this variant have been reported in the literature. Although we suspect that this variant may be pathogenic, at this time, the clinical significance of this variant is uncertain due to the absence of conclusive functional and genetic evidence.

NM_017433.5(MYO3A):c.168+1G>A

Gene: MYO3A (myosin IIIA; plus strand). Cytogenetic location: 10p12.1.
Variant type: single nucleotide variant.
Coding change: c.168+1G>A on transcript NM_017433.5 (MANE Select); the canonical splice donor site of the intron after coding-DNA position 168, G replaced by A.
Molecular consequence: splice donor variant.
Genome position (GRCh38, 1-based): chr10:25,952,279, G>A. VCF-style: chr10-25952279-G-A. GRCh37 (hg19) VCF-style: chr10-26241208-G-A.
Other names: c.168+1G>A (NM_017433.4, NM_001368265.1).
Identifiers: ClinVar variation 2446564 (VCV002446564.4), dbSNP rs777866495, ClinGen allele CA5444210.
Genomic context (GRCh38, chr10:25,952,279, plus strand): 5'-AAAGTATTGAATAAGAAAAATGGCCAAAAAGCAGCAGTCAAAATTCTTGATCCAATTCAC[G>A]TAAGTCATATTTTTTCCTTCTAATTAGCTTTATTTTTATCTGTATGAAACACTTAAAAAG-3'